The following is an entry in ClinVar:

NM_198525.3(KIF7):c.2116G>T (p.Ala706Ser)

Gene: KIF7 (kinesin family member 7; minus strand). Cytogenetic location: 15q26.1.
Variant type: single nucleotide variant.
Coding change: c.2116G>T on transcript NM_198525.3 (MANE Select); coding-DNA position 2116, G replaced by T.
Protein change: p.Ala706Ser; replaces alanine 706 with serine.
Molecular consequence: missense variant.
Genome position (GRCh38, 1-based): chr15:89,645,088, C>A on the plus strand (G>T on the coding strand, the complement: KIF7 is on the minus strand). VCF-style: chr15-89645088-C-A. GRCh37 (hg19) VCF-style: chr15-90188319-C-A.
Other names: c.2116G>T (NM_198525.2); short protein forms A706S.
Identifiers: ClinVar variation 1359916 (VCV001359916.9), dbSNP rs373361316, ClinGen allele CA7728324.

ClinVar aggregate classification (germline): Uncertain significance. Review status: criteria provided, multiple submitters, no conflicts (2 of 4 stars). 2 submissions from 2 submitters: Uncertain significance (2). Last evaluated 2022-09-22.

Conditions:
Inborn genetic diseases. Identifiers: MedGen C0950123, MeSH D030342.
Acrocallosal syndrome (ACLS). Also called: HALLUX DUPLICATION, POSTAXIAL POLYDACTYLY, AND ABSENCE OF CORPUS CALLOSUM; Schinzel syndrome 1; Absence of corpus callosum with unusual facial appearance, mental deficiency, duplication of the halluces and polydactyly. Identifiers: Orphanet 36, MedGen C0796147, MONDO:0008708, OMIM 200990.

Allele frequency attached by ClinVar (database versions not stated): ExAC 0.00001; TOPMed 0.00001; gnomAD 0.00002; ESP Exome Variant Server 0.00008.

Submissions (2):

Ambry Genetics
Classification: Uncertain significance for Inborn genetic diseases. Last evaluated: 2022-09-22. Review status: criteria provided, single submitter. Criteria: Ambry Variant Classification Scheme 2023. Collection method: clinical testing. Allele origin: germline.

Labcorp Genetics (formerly Invitae), Labcorp
Classification: Uncertain significance for Acrocallosal syndrome. Last evaluated: 2021-03-28. Review status: criteria provided, single submitter. Criteria: Invitae Variant Classification Sherloc (09022015). Collection method: clinical testing. Allele origin: germline.
Comment: This variant is present in population databases (rs373361316, ExAC 0.01%). This sequence change replaces alanine with serine at codon 706 of the KIF7 protein (p.Ala706Ser). The alanine residue is highly conserved and there is a moderate physicochemical difference between alanine and serine. This variant has not been reported in the literature in individuals with KIF7-related conditions. In summary, the available evidence is currently insufficient to determine the role of this variant in disease. Therefore, it has been classified as a Variant of Uncertain Significance. Algorithms developed to predict the effect of missense changes on protein structure and function are either unavailable or do not agree on the potential impact of this missense change (SIFT: "Deleterious"; PolyPhen-2: "Probably Damaging"; Align-GVGD: "Class C0").